The following is an entry in ClinVar:

ClinVar aggregate classification (germline): Likely benign. Review status: criteria provided, multiple submitters, no conflicts (2 of 4 stars). 2 submissions from 2 submitters: Likely benign (2). Last evaluated 2025-09-03.

Conditions:
Tuberous sclerosis 2 (TSC2). Identifiers: Orphanet 805, MedGen C1860707, MONDO:0013199, OMIM 613254.

gnomAD v4.1: 1 of 1,574,588 alleles (0.000064%); no homozygotes.

Submissions (2):

Labcorp Genetics (formerly Invitae), Labcorp
Classification: Likely benign for Tuberous sclerosis 2. Last evaluated: 2025-09-03. Review status: criteria provided, single submitter. Criteria: Invitae Variant Classification Sherloc (09022015). Collection method: clinical testing. Allele origin: germline.

Myriad Genetics, Inc.
Classification: Likely benign for Tuberous sclerosis 2. Last evaluated: 2025-05-12. Review status: criteria provided, single submitter. Criteria: Myriad Autosomal Dominant, Autosomal Recessive and X-Linked Classification Criteria (2023). Collection method: clinical testing. Allele origin: unknown.
Comment: This variant is considered likely benign. This variant is intronic and is not expected to impact mRNA splicing.

NM_000548.5(TSC2):c.849-12G>A

Gene: TSC2 (TSC complex subunit 2; plus strand). Cytogenetic location: 16p13.3.
Variant type: single nucleotide variant.
Coding change: c.849-12G>A on transcript NM_000548.5 (MANE Select); 12 bases into the intron before coding-DNA position 849, G replaced by A.
Molecular consequence: intron variant.
Genome position (GRCh38, 1-based): chr16:2,058,735, G>A. VCF-style: chr16-2058735-G-A. GRCh37 (hg19) VCF-style: chr16-2108736-G-A.
Other names: c.849-12G>A (NM_001114382.3, NM_021055.3, NM_001370405.1 and 3 more transcripts); c.738-12G>A (NM_001318827.2); c.249-12G>A (NM_001318831.2); c.702-12G>A (NM_001318829.2); c.882-12G>A (NM_001318832.2).
Identifiers: ClinVar variation 1604872 (VCV001604872.9), dbSNP rs2151104844, ClinGen allele CA2573151508.